The following is an entry in ClinVar:

ClinVar aggregate classification (germline): Likely benign. Review status: criteria provided, multiple submitters, no conflicts (2 of 4 stars). 2 submissions from 2 submitters: Likely benign (2). Last evaluated 2025-10-01.

Conditions:
Charcot-Marie-Tooth disease type 2. Also called: Charcot-Marie-Tooth type 2. Identifiers: Orphanet 64746, MedGen C0270914, MONDO:0018993.

gnomAD v4.1: 5 of 1,612,502 alleles (0.00031%); highest among the groups gnomAD compares: Admixed American, 0.0017%; no homozygotes.

Submissions (2):

CeGaT Center for Human Genetics Tuebingen
Classification: Likely benign. Last evaluated: 2025-10-01. Review status: criteria provided, single submitter. Criteria: CeGaT Center For Human Genetics Tuebingen Variant Classification Criteria Version 2. Collection method: clinical testing. Allele origin: germline. Affected: yes. Observed: 1 variant allele.
Comment: MED25: BP4, BP7

Labcorp Genetics (formerly Invitae), Labcorp
Classification: Likely benign for Charcot-Marie-Tooth disease type 2. Last evaluated: 2023-10-13. Review status: criteria provided, single submitter. Criteria: Invitae Variant Classification Sherloc (09022015). Collection method: clinical testing. Allele origin: germline.

NM_030973.4(MED25):c.597C>G (p.Ala199=)

Gene: MED25 (mediator complex subunit 25; plus strand). Cytogenetic location: 19q13.33.
Variant type: single nucleotide variant.
Coding change: c.597C>G on transcript NM_030973.4 (MANE Select); coding-DNA position 597, C replaced by G.
Protein change: p.Ala199=; no amino-acid change (alanine 199 retained).
Molecular consequence: synonymous variant.
Genome position (GRCh38, 1-based): chr19:49,829,857, C>G. VCF-style: chr19-49829857-C-G. GRCh37 (hg19) VCF-style: chr19-50333114-C-G.
Other names: c.597C>G, p.Ala199= (NM_001378355.1).
Identifiers: ClinVar variation 1625745 (VCV001625745.14), dbSNP rs149788020, ClinGen allele CA309515536.
Genomic context (GRCh38, chr19:49,829,857, plus strand): 5'-CTTCTCCATTGTGTCTCCCCGGAAGCTGCCTGCGCTTCGGCTTCTGTTTGAGAAGGCAGC[C>G]CCCCCGGCCTTGCTGGAGCCGCTGCAGCCTCCGACAGATGTGAGCCAGGACCCGAGGCAC-3'
Protein context (NP_112235.2, residues 189-209): PALRLLFEKA[Ala199=]PPALLEPLQP